The following is an entry in ClinVar:

NM_001032283.3(TMPO):c.565+1062_565+1063delinsTT

Gene: TMPO (thymopoietin; plus strand). Cytogenetic location: 12q23.1.
Variant type: Indel.
Coding change: c.565+1062_565+1063delinsTT on transcript NM_001032283.3 (MANE Select); bases 1062 to 1063 of the intron after coding-DNA position 565, GG replaced by TT.
Molecular consequence: intron variant. On other transcripts: missense variant (1).
Genome position (GRCh38, 1-based): chr12:98,532,900-98,532,901, GG replaced by TT. VCF-style: chr12-98532900-GG-TT. GRCh37 (hg19) VCF-style: chr12-98926678-GG-TT.
Other names: c.643_644delinsTT, p.Gly215Phe (NM_003276.2); c.565+1062_565+1063delinsTT (NM_001307975.2, NM_001032284.3); short protein forms G215F.
Identifiers: ClinVar variation 2868039 (VCV002868039.3), dbSNP rs2548502784, ClinGen allele CA2739272207.

ClinVar aggregate classification (germline): Uncertain significance (1 of 4 stars; one submission).

Conditions:
Loeys-Dietz syndrome 2 (LDS2). Also called: TGFBR2-Related Loeys-Dietz Syndrome; Marfan syndrome, type 2 (formerly); AORTIC ANEURYSM, FAMILIAL THORACIC 3; MARFAN SYNDROME, TYPE II; Marfan Syndrome type 2; Marfan like connective tissue disorder. Identifiers: Orphanet 284973, Orphanet 558, MedGen C2674574, MONDO:0012427, OMIM 610168.

Submission:

Labcorp Genetics (formerly Invitae), Labcorp
Classification: Uncertain significance for Loeys-Dietz syndrome 2. Last evaluated: 2023-11-28. Review status: criteria provided, single submitter. Criteria: Invitae Variant Classification Sherloc (09022015). Collection method: clinical testing. Allele origin: germline.
Comment: This sequence change replaces glycine, which is neutral and non-polar, with phenylalanine, which is neutral and non-polar, at codon 215 of the TMPO protein (p.Gly215Phe). Information on the frequency of this variant in the gnomAD database is not available, as this variant may be reported differently in the database. This variant has not been reported in the literature in individuals affected with TMPO-related conditions. An algorithm developed to predict the effect of missense changes on protein structure and function (PolyPhen-2) suggests that this variant is likely to be disruptive. In summary, the available evidence is currently insufficient to determine the role of this variant in disease. Therefore, it has been classified as a Variant of Uncertain Significance.